The following is an entry in ClinVar:

NM_001353921.2(ARHGEF9):c.963C>T (p.Asp321=)

Gene: ARHGEF9 (Cdc42 guanine nucleotide exchange factor 9; minus strand). Cytogenetic location: Xq11.1.
Variant type: single nucleotide variant.
Coding change: c.963C>T on transcript NM_001353921.2 (MANE Select); coding-DNA position 963, C replaced by T.
Protein change: p.Asp321=; no amino-acid change (aspartic acid 321 retained).
Molecular consequence: synonymous variant. On other transcripts: intron variant (5).
Genome position (GRCh38, 1-based): chrX:63,666,000, G>A on the plus strand (C>T on the coding strand, the complement: ARHGEF9 is on the minus strand). VCF-style: chrX-63666000-G-A. GRCh37 (hg19) VCF-style: chrX-62885880-G-A.
Other names: c.879C>T, p.Asp293= (NM_001369043.1, NM_001369044.1, NM_001369034.1 and 6 more transcripts); c.942C>T, p.Asp314= (NM_015185.3, NM_001369030.1, NM_001369031.1 and 1 more transcripts); c.945+8038C>T (NM_001353922.2); c.861+8038C>T (NM_001369041.1, NM_001353927.2); c.510+8038C>T (NM_001369045.1); c.924+8038C>T (NM_001353928.2); c.762C>T, p.Asp254= (NM_001369039.1, NM_001369040.1, NM_001353924.2 and 1 more transcripts); c.636C>T, p.Asp212= (NM_001369042.1, NM_001173480.2); and 2 more.
Identifiers: ClinVar variation 4871969 (VCV004871969.2).

ClinVar aggregate classification (germline): Likely benign (1 of 4 stars; one submission).

Submission:

CeGaT Center for Human Genetics Tuebingen
Classification: Likely benign. Last evaluated: 2026-06-01. Review status: criteria provided, single submitter. Criteria: CeGaT Center For Human Genetics Tuebingen Variant Classification Criteria Version 2. Collection method: clinical testing. Allele origin: germline. Affected: yes. Observed: 1 variant allele.
Comment: ARHGEF9: PM2:Supporting, BP4, BP7